The following is an entry in ClinVar:

NM_016373.4(WWOX):c.779C>G (p.Ser260Ter)

Gene: WWOX (WW domain containing oxidoreductase; plus strand). Cytogenetic location: 16q23.1.
Variant type: single nucleotide variant.
Coding change: c.779C>G on transcript NM_016373.4 (MANE Select); coding-DNA position 779, C replaced by G.
Protein change: p.Ser260Ter; replaces serine 260 with a stop codon.
Molecular consequence: nonsense.
Genome position (GRCh38, 1-based): chr16:78,425,043, C>G. VCF-style: chr16-78425043-C-G. GRCh37 (hg19) VCF-style: chr16-78458940-C-G.
Other names: c.440C>G, p.Ser147Ter (NM_001291997.2); short protein forms S260*, S147*.
Identifiers: ClinVar variation 241104 (VCV000241104.10), dbSNP rs878855021, ClinGen allele CA10583430.

ClinVar aggregate classification (germline): Pathogenic (1 of 4 stars; one submission).

Conditions:
Autosomal recessive spinocerebellar ataxia 12. Also called: SPINOCEREBELLAR ATAXIA WITH MENTAL RETARDATION AND EPILEPSY. Identifiers: Orphanet 284282, MedGen C3280452, MONDO:0013687, OMIM 614322.
Developmental and epileptic encephalopathy, 1 (DEE1). Also called: INFANTILE SPASM SYNDROME, X-LINKED 1; OHTAHARA SYNDROME, X-LINKED; Epileptic encephalopathy, early infantile, 1; X-linked infantile spasms; West's syndrome; Tonic spasms with clustering, arrest of psychomotor development and hypsarrhythmia on EEG. Identifiers: MedGen C3463992, MONDO:0010632, OMIM 308350. Disease mechanism: loss of function.

gnomAD v4.1: 1 of 1,613,862 alleles (0.000062%); highest among the groups gnomAD compares: Non-Finnish European, 0.000085%; no homozygotes.

Submission:

Labcorp Genetics (formerly Invitae), Labcorp
Classification: Pathogenic for Developmental and epileptic encephalopathy, 1; Autosomal recessive spinocerebellar ataxia 12. Last evaluated: 2022-09-07. Review status: criteria provided, single submitter. Criteria: Invitae Variant Classification Sherloc (09022015). Collection method: clinical testing. Allele origin: germline.
Comment: For these reasons, this variant has been classified as Pathogenic. This sequence change creates a premature translational stop signal (p.Ser260*) in the WWOX gene. It is expected to result in an absent or disrupted protein product. Loss-of-function variants in WWOX are known to be pathogenic (PMID: 24456803, 25411445). This variant is not present in population databases (gnomAD no frequency). This variant has not been reported in the literature in individuals affected with WWOX-related conditions. ClinVar contains an entry for this variant (Variation ID: 241104).

Literature cited by the submitters: PubMed 24456803; PubMed 25411445.